The following is an entry in ClinVar:

NM_000062.3(SERPING1):c.695T>A (p.Ile232Lys)

Gene: SERPING1 (serpin family G member 1; plus strand). Cytogenetic location: 11q12.1.
Variant type: single nucleotide variant.
Coding change: c.695T>A on transcript NM_000062.3 (MANE Select); coding-DNA position 695, T replaced by A.
Protein change: p.Ile232Lys; replaces isoleucine 232 with lysine.
Molecular consequence: missense variant.
Genome position (GRCh38, 1-based): chr11:57,606,019, T>A. VCF-style: chr11-57606019-T-A. GRCh37 (hg19) VCF-style: chr11-57373492-T-A.
Other names: c.695T>A, p.Ile232Lys (NM_001032295.2); short protein forms I232K.
Identifiers: ClinVar variation 68255 (VCV000068255.6), dbSNP rs281875172, ClinGen allele CA219271.

ClinVar aggregate classification (germline): Uncertain significance. Review status: criteria provided, multiple submitters, no conflicts (2 of 4 stars). 3 submissions from 3 submitters: Uncertain significance (2). 1 of the submissions does not count toward it. Last evaluated 2023-10-04.

Conditions:
Inborn genetic diseases. Identifiers: MedGen C0950123, MeSH D030342.

Submissions (3):

Labcorp Genetics (formerly Invitae), Labcorp
Classification: Uncertain significance. Last evaluated: 2023-10-04. Review status: criteria provided, single submitter. Criteria: Invitae Variant Classification Sherloc (09022015). Collection method: clinical testing. Allele origin: germline.
Comment: This sequence change replaces isoleucine, which is neutral and non-polar, with lysine, which is basic and polar, at codon 232 of the SERPING1 protein (p.Ile232Lys). This variant is not present in population databases (gnomAD no frequency). This missense change has been observed in individuals with hereditary angioedema (PMID: 22994404; Invitae). ClinVar contains an entry for this variant (Variation ID: 68255). Advanced modeling of protein sequence and biophysical properties (such as structural, functional, and spatial information, amino acid conservation, physicochemical variation, residue mobility, and thermodynamic stability) performed at Invitae indicates that this missense variant is expected to disrupt SERPING1 protein function. This variant disrupts the p.Ile232 amino acid residue in SERPING1. Other variant(s) that disrupt this residue have been observed in individuals with SERPING1-related conditions (PMID: 26154504), which suggests that this may be a clinically significant amino acid residue. In summary, the available evidence is currently insufficient to determine the role of this variant in disease. Therefore, it has been classified as a Variant of Uncertain Significance.

Ambry Genetics
Classification: Uncertain significance for Inborn genetic diseases. Last evaluated: 2015-03-09. Review status: criteria provided, single submitter. Criteria: Ambry Variant Classification Scheme 2023. Collection method: clinical testing. Allele origin: germline.
Comment: The p.I232K variant (also known as c.695T>A), located in coding exon 4 of the SERPING1 gene, results from a T to A substitution at nucleotide position 695. The isoleucine at codon 232 is replaced by lysine, an amino acid with dissimilar properties. This variant was detected in one patient with a diagnosis of hereditay angioedema, but absent in 53 healthy control individuals (Xu YY, Allergy 2012; 67(11):1430-6). This variant was previously reported in the SNPDatabase as rs281875172. This amino acid position is not well conserved in available vertebrate species. In addition, this alteration is predicted to be deleterious by in silico analysis. Since clinical data on this variant is limited at this time, its clinical significance is unclear.

UniProtKB/Swiss-Prot
No classification provided. Review status: no classification provided. Collection method: not provided. Allele origin: not provided. Not counted in ClinVar's aggregate classification.

Literature cited by the submitters: PubMed 22994404 (cited by Labcorp Genetics (formerly Invitae), Labcorp and Ambry Genetics); PubMed 26154504 (cited by Labcorp Genetics (formerly Invitae), Labcorp).